The following is an entry in ClinVar:

NM_014141.6(CNTNAP2):c.3540C>T (p.Ser1180=)

Gene: CNTNAP2 (contactin associated protein 2; plus strand). Cytogenetic location: 7q36.1.
Variant type: single nucleotide variant.
Coding change: c.3540C>T on transcript NM_014141.6 (MANE Select); coding-DNA position 3540, C replaced by T.
Protein change: p.Ser1180=; no amino-acid change (serine 1180 retained).
Molecular consequence: synonymous variant.
Genome position (GRCh38, 1-based): chr7:148,383,713, C>T. VCF-style: chr7-148383713-C-T. GRCh37 (hg19) VCF-style: chr7-148080805-C-T.
Identifiers: ClinVar variation 468429 (VCV000468429.12), dbSNP rs377629345, ClinGen allele CA4546692.
Genomic context (GRCh38, chr7:148,383,713, plus strand): 5'-AGGGAAAATTGACCAAGAGATTCACAAATACAACACCCCAGGATTCACTGGTTGCCTCTC[C>T]AGAGTCCAGTTCAACCAGATCGCCCCTCTCAAGGCCGCCTTGAGGCAGACAAACGCCTCG-3'
Protein context (NP_054860.1, residues 1170-1190): YNTPGFTGCL[Ser1180=]RVQFNQIAPL

ClinVar aggregate classification (germline): Likely benign. Review status: criteria provided, multiple submitters, no conflicts (2 of 4 stars). 2 submissions from 2 submitters: Likely benign (2). Last evaluated 2025-12-02.

Conditions:
Cortical dysplasia-focal epilepsy syndrome (PTHSL1). Also called: Pitt-Hopkins-like syndrome 1. Identifiers: Orphanet 163681, Orphanet 221150, MedGen C2750246, MONDO:0012400, OMIM 610042.

Allele frequency attached by ClinVar (database versions not stated): gnomAD 0.00002; gnomAD exomes 0.00002 and 0.00003; TOPMed 0.00002; ExAC 0.00003; ESP Exome Variant Server 0.00008.
gnomAD v4.1: 51 of 1,614,074 alleles (0.0032%); highest among the groups gnomAD compares: Non-Finnish European, 0.0042%; no homozygotes.

Submissions (2):

Labcorp Genetics (formerly Invitae), Labcorp
Classification: Likely benign for Cortical dysplasia-focal epilepsy syndrome. Last evaluated: 2025-12-02. Review status: criteria provided, single submitter. Criteria: Invitae Variant Classification Sherloc (09022015). Collection method: clinical testing. Allele origin: germline.

GeneDx
Classification: Likely benign. Last evaluated: 2017-10-03. Review status: criteria provided, single submitter. Criteria: GeneDx Variant Classification (06012015). Collection method: clinical testing. Allele origin: germline. Affected: yes.
Comment: This variant is considered likely benign or benign based on one or more of the following criteria: it is a conservative change, it occurs at a poorly conserved position in the protein, it is predicted to be benign by multiple in silico algorithms, and/or has population frequency not consistent with disease.